The following is an entry in ClinVar:

ClinVar aggregate classification (germline): Benign/Likely benign. Review status: criteria provided, multiple submitters, no conflicts (2 of 4 stars). 3 submissions from 3 submitters: Benign (1); Likely benign (1). 1 of the submissions does not count toward it. Last evaluated 2026-02-01.

Conditions:
SUN1-related disorder. Also called: SUN1-related condition.
Emery-Dreifuss muscular dystrophy (EDMD). Also called: Scapuloperoneal syndrome, X-linked (formerly); Humeroperoneal neuromuscular disease, (formerly). Identifiers: Orphanet 261, MedGen C0410189, MONDO:0016830.

Allele frequency attached by ClinVar (database versions not stated): 1000 Genomes Project 30x 0.00094; 1000 Genomes Project 0.00120; gnomAD 0.00236; TOPMed 0.00248; ESP Exome Variant Server 0.00267.
gnomAD v4.1: 5,358 of 1,603,006 alleles (0.33%); highest among the groups gnomAD compares: Middle Eastern, 0.43%; 17 homozygotes.

Submissions (3):

Labcorp Genetics (formerly Invitae), Labcorp
Classification: Benign for Emery-Dreifuss muscular dystrophy. Last evaluated: 2026-02-01. Review status: criteria provided, single submitter. Criteria: Invitae Variant Classification Sherloc (09022015). Collection method: clinical testing. Allele origin: germline.

Mayo Clinic Laboratories, Mayo Clinic
Classification: Likely benign. Last evaluated: 2025-04-09. Review status: criteria provided, single submitter. Criteria: ACMG Guidelines, 2015. Collection method: clinical testing. Allele origin: germline. Observed: 2 variant alleles.
Comment: BP4, BP7

PreventionGenetics, part of Exact Sciences
Classification: Benign for SUN1-related condition. Last evaluated: 2019-12-16. Review status: no assertion criteria provided. Collection method: clinical testing. Allele origin: germline. Not counted in ClinVar's aggregate classification.
Comment: This variant is classified as benign based on ACMG/AMP sequence variant interpretation guidelines (Richards et al. 2015 PMID: 25741868, with internal and published modifications).

NM_001130965.3(SUN1):c.2199G>A (p.Thr733=)

Gene: SUN1 (Sad1 and UNC84 domain containing 1; plus strand). Cytogenetic location: 7p22.3.
Variant type: single nucleotide variant.
Coding change: c.2199G>A on transcript NM_001130965.3 (MANE Select); coding-DNA position 2199, G replaced by A.
Protein change: p.Thr733=; no amino-acid change (threonine 733 retained).
Molecular consequence: synonymous variant. On other transcripts: non-coding transcript variant (3), intron variant (12).
Genome position (GRCh38, 1-based): chr7:872,520, G>A. VCF-style: chr7-872520-G-A. GRCh37 (hg19) VCF-style: chr7-912157-G-A.
Other names: p.Thr733=; c.1890G>A, p.Thr630= (NM_001171944.2); c.2199G>A, p.Thr733= (NM_001367633.1, NM_001367634.1); c.1848G>A, p.Thr616= (NM_001367635.1); c.2307G>A, p.Thr769= (NM_001367638.1); c.1740G>A, p.Thr580= (NM_001367639.1); c.2379G>A, p.Thr793= (NM_001367640.1); c.2481G>A, p.Thr827= (NM_001367641.1); and 56 more.
Identifiers: ClinVar variation 461650 (VCV000461650.16), dbSNP rs200378884, ClinGen allele CA4112519.